The following is an entry in ClinVar:

NM_139215.3(TAF15):c.1006+3A>G

Gene: TAF15 (TATA-box binding protein associated factor 15; plus strand). Cytogenetic location: 17q12.
Variant type: single nucleotide variant.
Coding change: c.1006+3A>G on transcript NM_139215.3 (MANE Select); 3 bases into the intron after coding-DNA position 1006, A replaced by G.
Molecular consequence: intron variant.
Genome position (GRCh38, 1-based): chr17:35,842,462, A>G. VCF-style: chr17-35842462-A-G. GRCh37 (hg19) VCF-style: chr17-34169466-A-G.
Other names: p.?; c.997+3A>G (NM_003487.4).
Identifiers: ClinVar variation 3046835 (VCV003046835.3), dbSNP rs573414793, ClinGen allele CA290039999.

ClinVar aggregate classification (germline): Likely benign. Review status: criteria provided, single submitter (1 of 4 stars). 2 submissions from 2 submitters: Likely benign (1). 1 of the submissions does not count toward it. Last evaluated 2025-04-10.

Conditions:
TAF15-related disorder. Also called: TAF15-related condition.

Allele frequency attached by ClinVar (database versions not stated): gnomAD exomes 0.00010; gnomAD 0.00011; ExAC 0.00018; TOPMed 0.00022; 1000 Genomes Project 30x 0.00031; 1000 Genomes Project 0.00020.
gnomAD v4.1: 169 of 1,610,890 alleles (0.01%); highest among the groups gnomAD compares: Admixed American, 0.068%; no homozygotes.

Submissions (2):

Mayo Clinic Laboratories, Mayo Clinic
Classification: Likely benign. Last evaluated: 2025-04-10. Review status: criteria provided, single submitter. Criteria: ACMG Guidelines, 2015. Collection method: clinical testing. Allele origin: germline. Observed: 1 variant allele.
Comment: BS2, BP5

PreventionGenetics, part of Exact Sciences
Classification: Likely benign for TAF15-related condition. Last evaluated: 2021-09-22. Review status: no assertion criteria provided. Collection method: clinical testing. Allele origin: germline. Not counted in ClinVar's aggregate classification.
Comment: This variant is classified as likely benign based on ACMG/AMP sequence variant interpretation guidelines (Richards et al. 2015 PMID: 25741868, with internal and published modifications).